The following is an entry in ClinVar:

ClinVar aggregate classification (germline): Pathogenic/Likely pathogenic. Review status: criteria provided, multiple submitters, no conflicts (2 of 4 stars). 3 submissions from 3 submitters: Pathogenic (1); Likely pathogenic (1). 1 of the submissions does not count toward it. Last evaluated 2024-10-10.

Conditions:
IRF2BPL-related disorder. Also called: IRF2BPL-related condition. Identifiers: MedGen CN381093.
Neurodevelopmental disorder with regression, abnormal movements, loss of speech, and seizures. Identifiers: Orphanet 597623, MedGen C4748127, MONDO:0060759, OMIM 618088.

Submissions (3):

Victorian Clinical Genetics Services, Murdoch Childrens Research Institute
Classification: Pathogenic for Neurodevelopmental disorder with regression, abnormal movements, loss of speech, and seizures. Last evaluated: 2024-10-10. Review status: criteria provided, single submitter. Criteria: ACMG Guidelines, 2015. Collection method: clinical testing. Allele origin: germline. Inheritance: Autosomal dominant inheritance. Affected: yes.
Comment: Based on the classification scheme VCGS_Germline_v1.3.5, this variant is classified as Pathogenic. Following criteria are met: 0102 - Loss of function is a known mechanism of disease in this gene and is associated with neurodevelopmental disorder with regression, abnormal movements, loss of speech, and seizures (MIM#618088). (I) 0107 - This gene is associated with autosomal dominant disease. (I) 0204 - Variant is predicted to result in a truncated protein (premature termination codon is NOT located at least 54 nucleotides upstream of the final exon-exon junction) with at least 1/3 of the protein sequence affected. (SP) 0251 - This variant is heterozygous. (I) 0301 - Variant is absent from gnomAD (v2, v3 and v4). (SP) 0604 - Variant is not located in an established domain, motif, hotspot or informative constraint region. (I) 0701 - Other truncating variants comparable to the one identified in this case have very strong previous evidence for pathogenicity. many downstream truncating variants have been reported as pathogenic or likely pathogenic (ClinVar, DECIPHER). (SP) 0803 - This variant has limited previous evidence of pathogenicity in an unrelated individual. This variant has been reported once as likely pathogenic in an individual with global developmental delay, dysphagia and dysmorphic features (ClinVar). (SP) 0905 - No published segregation evidence has been identified for this variant. (I) 1007 - No published functional evidence has been identified for this variant. (I) Legend: (SP) - Supporting pathogenic, (I) - Information, (SB) - Supporting benign

3billion
Classification: Likely pathogenic for Neurodevelopmental disorder with regression, abnormal movements, loss of speech, and seizures. Last evaluated: 2022-01-03. Review status: criteria provided, single submitter. Criteria: ACMG Guidelines, 2015. Collection method: clinical testing. Allele origin: germline. Affected: yes. Observed: 1 heterozygote.
Comment: Stop-gained (nonsense): predicted to result in a loss or disruption of normal protein function through protein truncation. Multiple pathogenic variants are reported in the predicted truncated region (PVS1_S). It is not observed in the gnomAD v2.1.1 dataset (PM2_M). Therefore, this variant is classified as likely pathogenic according to the recommendation of ACMG/AMP guideline.

PreventionGenetics, part of Exact Sciences
Classification: Likely pathogenic for IRF2BPL-related condition. Last evaluated: 2024-03-30. Review status: no assertion criteria provided. Collection method: clinical testing. Allele origin: germline. Not counted in ClinVar's aggregate classification.
Comment: The IRF2BPL c.1489C>T variant is predicted to result in premature protein termination (p.Gln497*). This variant has not been reported in the literature or in a large population database, indicating this variant is rare. Nonsense variants in IRF2BPL are expected to be pathogenic. This variant is interpreted as likely pathogenic.

NM_024496.4(IRF2BPL):c.1489C>T (p.Gln497Ter)

Gene: IRF2BPL (interferon regulatory factor 2 binding protein like; minus strand). Cytogenetic location: 14q24.3.
Variant type: single nucleotide variant.
Coding change: c.1489C>T on transcript NM_024496.4 (MANE Select); coding-DNA position 1489, C replaced by T.
Protein change: p.Gln497Ter; replaces glutamine 497 with a stop codon.
Molecular consequence: nonsense.
Genome position (GRCh38, 1-based): chr14:77,026,304, G>A on the plus strand (C>T on the coding strand, the complement: IRF2BPL is on the minus strand). VCF-style: chr14-77026304-G-A. GRCh37 (hg19) VCF-style: chr14-77492647-G-A.
Other names: c.1489C>T (NM_024496.3); short protein forms Q497*.
Identifiers: ClinVar variation 1333241 (VCV001333241.3), dbSNP rs2140377628, ClinGen allele CA390493861.